The following is an entry in ClinVar:

NM_177438.3(DICER1):c.493T>C (p.Ser165Pro)

Gene: DICER1 (dicer 1, ribonuclease III; minus strand). Cytogenetic location: 14q32.13.
Variant type: single nucleotide variant.
Coding change: c.493T>C on transcript NM_177438.3 (MANE Select); coding-DNA position 493, T replaced by C.
Protein change: p.Ser165Pro; replaces serine 165 with proline.
Molecular consequence: missense variant.
Genome position (GRCh38, 1-based): chr14:95,130,138, A>G on the plus strand (T>C on the coding strand, the complement: DICER1 is on the minus strand). VCF-style: chr14-95130138-A-G. GRCh37 (hg19) VCF-style: chr14-95596475-A-G.
Other names: c.493T>C, p.Ser165Pro (NM_001195573.1, NM_001271282.3, NM_001291628.2 and 1 more transcripts); short protein forms S165P.
Identifiers: ClinVar variation 412185 (VCV000412185.19), dbSNP rs894664317, ClinGen allele CA16614726.

ClinVar aggregate classification (germline): Conflicting classifications of pathogenicity. Review status: criteria provided, conflicting classifications (1 of 4 stars). 6 submissions from 6 submitters: Uncertain significance (5); Likely benign (1). Last evaluated 2025-03-31.

Conditions:
DICER1-related disorder. Also called: DICER1-related condition.
Global developmental delay - lung cysts - overgrowth - Wilms tumor syndrome. Also called: GLOW Syndrome; GLOBAL DEVELOPMENTAL DELAY, LUNG CYSTS, OVERGROWTH, AND WILMS TUMOR. Identifiers: Orphanet 404476, MedGen C4748924, MONDO:0018445, OMIM 618272.
DICER1-related tumor predisposition. Also called: DICER1-related pleuropulmonary blastoma cancer predisposition syndrome; DICER1 syndrome. Identifiers: Orphanet 284343, MedGen C3839822, MONDO:0100216.
Hereditary cancer-predisposing syndrome. Also called: Hereditary neoplastic syndrome; Neoplastic Syndromes, Hereditary; Tumor predisposition; Hereditary Cancer Syndrome. Identifiers: Orphanet 140162, MedGen C0027672, MeSH D009386, MONDO:0015356.

Allele frequency attached by ClinVar (database versions not stated): gnomAD 0.00001; gnomAD exomes 0.00001; TOPMed 0.00001.
gnomAD v4.1: 20 of 1,613,160 alleles (0.0012%); highest among the groups gnomAD compares: Non-Finnish European, 0.0014%; no homozygotes.

Submissions (6):

Quest Diagnostics Nichols Institute San Juan Capistrano
Classification: Uncertain significance. Last evaluated: 2025-03-31. Review status: criteria provided, single submitter. Criteria: Quest Diagnostics criteria. Collection method: clinical testing. Allele origin: unknown.
Comment: The DICER1 c.493T>C (p.Ser165Pro) variant has not been reported in individuals with DICER1-related conditions in the published literature. The frequency of this variant in the general population (Genome Aggregation Database) is uninformative in the assessment of its pathogenicity. Analysis of this variant using bioinformatics tools for the prediction of the effect of amino acid changes on protein structure and function yielded predictions that this variant is benign. Based on the available information, we are unable to determine the clinical significance of this variant.

Labcorp Genetics (formerly Invitae), Labcorp
Classification: Uncertain significance for DICER1-related tumor predisposition. Last evaluated: 2025-01-12. Review status: criteria provided, single submitter. Criteria: Invitae Variant Classification Sherloc (09022015). Collection method: clinical testing. Allele origin: germline.
Comment: This sequence change replaces serine, which is neutral and polar, with proline, which is neutral and non-polar, at codon 165 of the DICER1 protein (p.Ser165Pro). This variant is not present in population databases (gnomAD no frequency). This variant has not been reported in the literature in individuals affected with DICER1-related conditions. ClinVar contains an entry for this variant (Variation ID: 412185). Invitae Evidence Modeling of protein sequence and biophysical properties (such as structural, functional, and spatial information, amino acid conservation, physicochemical variation, residue mobility, and thermodynamic stability) indicates that this missense variant is not expected to disrupt DICER1 protein function with a negative predictive value of 95%. In summary, the available evidence is currently insufficient to determine the role of this variant in disease. Therefore, it has been classified as a Variant of Uncertain Significance.

Baylor Genetics
Classification: Uncertain significance for Global developmental delay - lung cysts - overgrowth - Wilms tumor syndrome. Last evaluated: 2024-01-20. Review status: criteria provided, single submitter. Criteria: ACMG Guidelines, 2015. Collection method: clinical testing. Allele origin: unknown.

Ambry Genetics
Classification: Likely benign for Hereditary cancer-predisposing syndrome. Last evaluated: 2023-10-26. Review status: criteria provided, single submitter. Criteria: Ambry Variant Classification Scheme 2023. Collection method: clinical testing. Allele origin: germline.

PreventionGenetics, part of Exact Sciences
Classification: Uncertain significance for DICER1-related condition. Last evaluated: 2023-02-08. Review status: criteria provided, single submitter. Criteria: ACMG Guidelines, 2015. Collection method: clinical testing. Allele origin: germline.
Comment: The DICER1 c.493T>C variant is predicted to result in the amino acid substitution p.Ser165Pro. To our knowledge, this variant has not been reported in the literature or in a large population database, indicating this variant is rare. It is interpreted as uncertain significance in ClinVar. At this time, the clinical significance of this variant is uncertain due to the absence of conclusive functional and genetic evidence.

GeneDx
Classification: Uncertain significance. Last evaluated: 2022-09-20. Review status: criteria provided, single submitter. Criteria: GeneDx Variant Classification Process June 2021. Collection method: clinical testing. Allele origin: germline. Affected: yes.
Comment: Not observed at significant frequency in large population cohorts (gnomAD); In silico analysis supports that this missense variant does not alter protein structure/function; Has not been previously published as pathogenic or benign to our knowledge